The following is an entry in ClinVar:

ClinVar aggregate classification (germline): Uncertain significance. Review status: criteria provided, multiple submitters, no conflicts (2 of 4 stars). 2 submissions from 2 submitters: Uncertain significance (2). Last evaluated 2025-06-16.

Conditions:
Von Hippel-Lindau syndrome (VHLS). Also called: Von Hippel-Lindau; VHL syndrome; von Hippel–Lindau syndrome. Identifiers: Orphanet 892, MedGen C0019562, MONDO:0008667, OMIM 193300. Disease mechanism: loss of function.
Chuvash polycythemia. Also called: POLYCYTHEMIA, VHL-DEPENDENT. Identifiers: Orphanet 238557, MedGen C1837915, MONDO:0009892, OMIM 263400.

Submissions (2):

Labcorp Genetics (formerly Invitae), Labcorp
Classification: Uncertain significance for Von Hippel-Lindau syndrome; Chuvash polycythemia. Last evaluated: 2025-06-16. Review status: criteria provided, single submitter. Criteria: Invitae Variant Classification Sherloc (09022015). Collection method: clinical testing. Allele origin: germline.
Comment: This sequence change replaces aspartic acid, which is acidic and polar, with asparagine, which is neutral and polar, at codon 143 of the VHL protein (p.Asp143Asn). This variant is not present in population databases (gnomAD no frequency). This variant has not been reported in the literature in individuals affected with VHL-related conditions. ClinVar contains an entry for this variant (Variation ID: 3386192). An algorithm developed to predict the effect of missense changes on protein structure and function outputs the following: PolyPhen-2: "Benign". The asparagine amino acid residue is found in multiple mammalian species, which suggests that this missense change does not adversely affect protein function. In summary, the available evidence is currently insufficient to determine the role of this variant in disease. Therefore, it has been classified as a Variant of Uncertain Significance.

All of Us Research Program, National Institutes of Health
Classification: Uncertain significance for Von Hippel-Lindau syndrome. Last evaluated: 2024-02-22. Review status: criteria provided, single submitter. Criteria: ACMG Guidelines, 2015. Collection method: clinical testing. Allele origin: germline. Inheritance: Autosomal dominant inheritance. Observed: 1 variant allele, 1 heterozygote.
Comment: This missense variant replaces aspartic acid with asparagine at codon 143 of the VHL protein. Computational prediction suggests that this variant may not impact protein structure and function (internally defined REVEL score threshold <= 0.5, PMID: 27666373). To our knowledge, functional studies have not been reported for this variant. This variant has not been reported in individuals affected with VHL-related disorders in the literature. This variant has not been identified in the general population by the Genome Aggregation Database (gnomAD). The available evidence is insufficient to determine the role of this variant in disease conclusively. Therefore, this variant is classified as a Variant of Uncertain Significance.

This study involves interpretation of variants in research participants for the purpose of population health screening. Participant phenotype was not available at the time of variant classification. Additional details can be found in publication PMID: 35346344, PMCID: PMC8962531

NM_000551.4(VHL):c.427G>A (p.Asp143Asn)

Genes: VHL (von Hippel-Lindau tumor suppressor; plus strand), LOC107303340 (3p25 von Hippel-Lindau tumor suppressor, E3 ubiquitin protein ligase Alu-mediated recombination region; plus strand). Cytogenetic location: 3p25.3.
Variant type: single nucleotide variant.
Coding change: c.427G>A on transcript NM_000551.4 (MANE Select); coding-DNA position 427, G replaced by A.
Protein change: p.Asp143Asn; replaces aspartic acid 143 with asparagine.
Molecular consequence: missense variant. On other transcripts: non-coding transcript variant (1), intron variant (2).
Genome position (GRCh38, 1-based): chr3:10,146,600, G>A. VCF-style: chr3-10146600-G-A. GRCh37 (hg19) VCF-style: chr3-10188284-G-A.
Other names: c.*18-3187G>A (NM_001354723.2); c.341-3187G>A (NM_198156.3); short protein forms D143N.
Identifiers: ClinVar variation 3386192 (VCV003386192.2).
Genomic context (GRCh38, chr3:10,146,600, plus strand): 5'-GGGACACACGATGGGCTTCTGGTTAACCAAACTGAATTATTTGTGCCATCTCTCAATGTT[G>A]ACGGACAGCCTATTTTTGCCAATATCACACTGCCAGGTACTGACGTTTTACTTTTTAAAA-3'
Protein context (NP_000542.1, residues 133-153): TELFVPSLNV[Asp143Asn]GQPIFANITL